The following is an entry in ClinVar:

NM_001999.4(FBN2):c.3740T>C (p.Met1247Thr)

Gene: FBN2 (fibrillin 2; minus strand). Cytogenetic location: 5q23.3.
Variant type: single nucleotide variant.
Coding change: c.3740T>C on transcript NM_001999.4 (MANE Select); coding-DNA position 3740, T replaced by C.
Protein change: p.Met1247Thr; replaces methionine 1247 with threonine.
Molecular consequence: missense variant.
Genome position (GRCh38, 1-based): chr5:128,335,562, A>G on the plus strand (T>C on the coding strand, the complement: FBN2 is on the minus strand). VCF-style: chr5-128335562-A-G. GRCh37 (hg19) VCF-style: chr5-127671254-A-G.
Other names: short protein forms M1247T.
Identifiers: ClinVar variation 161446 (VCV000161446.16), dbSNP rs149054177, ClinGen allele CA174027.

ClinVar aggregate classification (germline): Likely benign. Review status: criteria provided, multiple submitters, no conflicts (2 of 4 stars). 4 submissions from 4 submitters: Likely benign (3). 1 of the submissions does not count toward it. Last evaluated 2025-11-01.

Conditions:
Macular degeneration, early-onset (EOMD). Identifiers: MedGen C4015286, MONDO:0014501, OMIM 616118.
Congenital contractural arachnodactyly (CCA). Also called: BEALS SYNDROME; Beals-Hecht syndrome; Arthrogryposis, distal, type 9. Identifiers: Orphanet 115, MedGen C0220668, MONDO:0007363, OMIM 121050.
Familial thoracic aortic aneurysm and aortic dissection (TAAD). Also called: Thoracic aortic aneurysms and dissections. Identifiers: Orphanet 91387, MedGen C4707243, MONDO:0019625.

Allele frequency attached by ClinVar (database versions not stated): gnomAD exomes 0.00002 and 0.00005; ExAC 0.00009; TOPMed 0.00026; gnomAD 0.00027 and 0.00030; ESP Exome Variant Server 0.00031; 1000 Genomes Project 0.00060; 1000 Genomes Project 30x 0.00078.

Submissions (4):

Labcorp Genetics (formerly Invitae), Labcorp
Classification: Likely benign for Congenital contractural arachnodactyly. Last evaluated: 2025-11-01. Review status: criteria provided, single submitter. Criteria: Invitae Variant Classification Sherloc (09022015). Collection method: clinical testing. Allele origin: germline.

GeneDx
Classification: Likely benign. Last evaluated: 2023-10-18. Review status: criteria provided, single submitter. Criteria: GeneDx Variant Classification Process June 2021. Collection method: clinical testing. Allele origin: germline. Affected: yes.
Comment: See Variant Classification Assertion Criteria.

Ambry Genetics
Classification: Likely benign for Familial thoracic aortic aneurysm and aortic dissection. Last evaluated: 2018-05-31. Review status: criteria provided, single submitter. Criteria: Ambry Variant Classification Scheme 2023. Collection method: clinical testing. Allele origin: germline.

OMIM
Classification: Pathogenic for MACULAR DEGENERATION, EARLY-ONSET. Last evaluated: 2014-11-01. Review status: no assertion criteria provided. Collection method: literature only. Allele origin: germline. Not counted in ClinVar's aggregate classification.

Literature cited by the submitters: PubMed 24899048 (cited by Ambry Genetics and OMIM).